The following is an entry in ClinVar:

NM_144687.4(NLRP12):c.937T>C (p.Cys313Arg)

Gene: NLRP12 (NLR family pyrin domain containing 12; minus strand). Cytogenetic location: 19q13.42.
Variant type: single nucleotide variant.
Coding change: c.937T>C on transcript NM_144687.4 (MANE Select); coding-DNA position 937, T replaced by C.
Protein change: p.Cys313Arg; replaces cysteine 313 with arginine.
Molecular consequence: missense variant.
Genome position (GRCh38, 1-based): chr19:53,810,722, A>G on the plus strand (T>C on the coding strand, the complement: NLRP12 is on the minus strand). VCF-style: chr19-53810722-A-G. GRCh37 (hg19) VCF-style: chr19-54313976-A-G.
Other names: c.937T>C, p.Cys313Arg (NM_001277126.2, NM_001277129.1); short protein forms C313R.
Identifiers: ClinVar variation 4688904 (VCV004688904.1).
Genomic context (GRCh38, chr19:53,810,722, plus strand): 5'-GCAGCTTCTTCCGAATTAAGCTGTTAAGAAGCAGCTCCGTGGGCCGTTTCTCCTCCCAGC[A>G]GAGGCACCAGGGTCCCTGAGGATCGTGGAAAGAAGGCTTGAGCTCATCGAAGCCGTCGAT-3'
Protein context (NP_653288.1, residues 303-323): FHDPQGPWCL[Cys313Arg]WEEKRPTELL

ClinVar aggregate classification (germline): Uncertain significance (1 of 4 stars; one submission).

Submission:

Women's Health and Genetics/Laboratory Corporation of America, LabCorp
Classification: Uncertain significance. Last evaluated: 2025-12-22. Review status: criteria provided, single submitter. Criteria: LabCorp Variant Classification Summary - May 2015. Collection method: clinical testing. Allele origin: germline.
Comment: Variant summary: NLRP12 c.937T>C (p.Cys313Arg) results in a non-conservative amino acid change in the encoded protein sequence. Algorithms developed to predict the effect of missense changes on protein structure and function are either unavailable or do not agree on the potential impact of this missense change. The variant was absent in 251310 control chromosomes. The available data on variant occurrences in the general population are insufficient to allow any conclusion about variant significance. To our knowledge, no occurrence of c.937T>C in individuals affected with NLRP12-related conditions and no experimental evidence demonstrating its impact on protein function have been reported. No submitters have cited clinical-significance assessments for this variant to ClinVar. Based on the evidence outlined above, the variant was classified as uncertain significance.